The following is an entry in ClinVar:

ClinVar aggregate classification (germline): Uncertain significance. Review status: criteria provided, multiple submitters, no conflicts (2 of 4 stars). 6 submissions from 6 submitters: Uncertain significance (5). 1 of the submissions does not count toward it. Last evaluated 2025-01-15.

Conditions:
Inborn genetic diseases. Identifiers: MedGen C0950123, MeSH D030342.
Peroxisome biogenesis disorder 9B. Also called: Refsum disease, adult, 2; PEX7-Related Refsum Disease; PEROXISOME BIOGENESIS DISORDER, PEX7-RELATED, ATYPICAL. Identifiers: Orphanet 773, MedGen C2749346, MONDO:0013945, OMIM 614879.
Rhizomelic chondrodysplasia punctata (RCDP). Identifiers: Orphanet 177, MedGen C0282529, MONDO:0015776. Disease mechanism: loss of function.

Allele frequency attached by ClinVar (database versions not stated): ExAC 0.00002; gnomAD 0.00003 and 0.00004; gnomAD exomes 0.00003 and 0.00007; TOPMed 0.00005.
gnomAD v4.1: 22 of 1,613,710 alleles (0.0014%); highest among the groups gnomAD compares: Admixed American, 0.037%; no homozygotes.

Submissions (6):

Labcorp Genetics (formerly Invitae), Labcorp
Classification: Uncertain significance for Peroxisome biogenesis disorder 9B. Last evaluated: 2025-01-15. Review status: criteria provided, single submitter. Criteria: Invitae Variant Classification Sherloc (09022015). Collection method: clinical testing. Allele origin: germline.
Comment: This sequence change replaces aspartic acid, which is acidic and polar, with valine, which is neutral and non-polar, at codon 68 of the PEX7 protein (p.Asp68Val). This variant is present in population databases (rs763388501, gnomAD 0.06%). This variant has not been reported in the literature in individuals affected with PEX7-related conditions. ClinVar contains an entry for this variant (Variation ID: 497448). An algorithm developed to predict the effect of missense changes on protein structure and function (PolyPhen-2) suggests that this variant is likely to be disruptive. In summary, the available evidence is currently insufficient to determine the role of this variant in disease. Therefore, it has been classified as a Variant of Uncertain Significance.

Athena Diagnostics
Classification: Uncertain significance. Last evaluated: 2023-07-10. Review status: criteria provided, single submitter. Criteria: Athena Diagnostics Criteria. Collection method: clinical testing. Allele origin: unknown.
Comment: Available data are insufficient to determine the clinical significance of the variant at this time. The frequency of this variant in the general population is uninformative in assessment of its pathogenicity. Computational tools predict that this variant is damaging.

Ambry Genetics
Classification: Uncertain significance for Inborn genetic diseases. Last evaluated: 2021-07-14. Review status: criteria provided, single submitter. Criteria: Ambry Variant Classification Scheme 2023. Collection method: clinical testing. Allele origin: germline.

Blueprint Genetics
Classification: Uncertain significance. Last evaluated: 2020-11-25. Review status: criteria provided, single submitter. Criteria: ACMG Guidelines, 2015. Collection method: clinical testing. Allele origin: germline.

Eurofins Ntd Llc (ga)
Classification: Uncertain significance. Last evaluated: 2017-09-29. Review status: criteria provided, single submitter. Criteria: EGL Classification Definitions 2015. Collection method: clinical testing. Allele origin: germline. Observed: 3 variant alleles, 3 heterozygotes.

Natera, Inc.
Classification: Uncertain significance for Rhizomelic Chondrodysplasia Punctata. Last evaluated: 2020-09-01. Review status: no assertion criteria provided. Collection method: clinical testing. Allele origin: germline. Not counted in ClinVar's aggregate classification.

NM_000288.4(PEX7):c.203A>T (p.Asp68Val)

Gene: PEX7 (peroxisomal biogenesis factor 7; plus strand). Cytogenetic location: 6q23.3.
Variant type: single nucleotide variant.
Coding change: c.203A>T on transcript NM_000288.4 (MANE Select); coding-DNA position 203, A replaced by T.
Protein change: p.Asp68Val; replaces aspartic acid 68 with valine.
Molecular consequence: missense variant.
Genome position (GRCh38, 1-based): chr6:136,826,333, A>T. VCF-style: chr6-136826333-A-T. GRCh37 (hg19) VCF-style: chr6-137147471-A-T.
Other names: short protein forms D68V.
Identifiers: ClinVar variation 497448 (VCV000497448.12), dbSNP rs763388501, ClinGen allele CA4017528.